The following is an entry in ClinVar:

NM_014727.3(KMT2B):c.4553G>T (p.Arg1518Leu)

Gene: KMT2B (lysine methyltransferase 2B; plus strand). Cytogenetic location: 19q13.12.
Variant type: single nucleotide variant.
Coding change: c.4553G>T on transcript NM_014727.3 (MANE Select); coding-DNA position 4553, G replaced by T.
Protein change: p.Arg1518Leu; replaces arginine 1518 with leucine.
Molecular consequence: missense variant.
Genome position (GRCh38, 1-based): chr19:35,728,153, G>T. VCF-style: chr19-35728153-G-T. GRCh37 (hg19) VCF-style: chr19-36219054-G-T.
Other names: short protein forms R1518L.
Identifiers: ClinVar variation 3371304 (VCV003371304.2).

ClinVar aggregate classification (germline): Uncertain significance (1 of 4 stars; one submission).

Submission:

GeneDx
Classification: Uncertain significance. Last evaluated: 2026-09-16. Review status: criteria provided, single submitter. Criteria: GeneDx Variant Classification Process June 2021. Collection method: clinical testing. Allele origin: germline.
Comment: Not observed at significant frequency in large population cohorts (gnomAD); In silico analysis supports that this missense variant has a deleterious effect on protein structure/function; Has not been previously published as pathogenic or benign to our knowledge